The following is an entry in ClinVar:

ClinVar aggregate classification (germline): Uncertain significance (1 of 4 stars; one submission).

gnomAD v4.1: 5 of 1,584,844 alleles (0.00032%); highest among the groups gnomAD compares: Non-Finnish European, 0.00043%; no homozygotes.

Submission:

Labcorp Genetics (formerly Invitae), Labcorp
Classification: Uncertain significance. Last evaluated: 2024-06-25. Review status: criteria provided, single submitter. Criteria: Invitae Variant Classification Sherloc (09022015). Collection method: clinical testing. Allele origin: germline.
Comment: This sequence change replaces leucine, which is neutral and non-polar, with phenylalanine, which is neutral and non-polar, at codon 460 of the SLC26A1 protein (p.Leu460Phe). The frequency data for this variant in the population databases is considered unreliable, as metrics indicate poor data quality at this position in the gnomAD database. This variant has not been reported in the literature in individuals affected with SLC26A1-related conditions. Advanced modeling of protein sequence and biophysical properties (such as structural, functional, and spatial information, amino acid conservation, physicochemical variation, residue mobility, and thermodynamic stability) performed at Invitae indicates that this missense variant is not expected to disrupt SLC26A1 protein function with a negative predictive value of 80%. In summary, the available evidence is currently insufficient to determine the role of this variant in disease. Therefore, it has been classified as a Variant of Uncertain Significance.

NM_022042.4(SLC26A1):c.1378C>T (p.Leu460Phe)

Genes: IDUA (alpha-L-iduronidase; plus strand), SLC26A1 (solute carrier family 26 member 1; minus strand). Cytogenetic location: 4p16.3.
Variant type: single nucleotide variant.
Coding change: c.1378C>T on transcript NM_022042.4 (MANE Select); coding-DNA position 1378, C replaced by T.
Protein change: p.Leu460Phe; replaces leucine 460 with phenylalanine.
Molecular consequence: missense variant. On other transcripts: intron variant (2).
Genome position (GRCh38, 1-based): chr4:989,561, G>A on the plus strand (C>T on the coding strand, the complement: SLC26A1 is on the minus strand). VCF-style: chr4-989561-G-A. GRCh37 (hg19) VCF-style: chr4-983349-G-A.
Other names: c.1378C>T, p.Leu460Phe (NM_213613.4); c.576+1567C>T (NM_134425.4); c.299+1612G>A (NM_000203.5); short protein forms L460F.
Identifiers: ClinVar variation 3607353 (VCV003607353.2).